The following is an entry in ClinVar:

NM_001376.5(DYNC1H1):c.13321AAG[2] (p.Lys4443del)

Gene: DYNC1H1 (dynein cytoplasmic 1 heavy chain 1; plus strand). Cytogenetic location: 14q32.31.
Variant type: Microsatellite.
Coding change: c.13321AAG[2] on transcript NM_001376.5 (MANE Select); two copies in a row of the 3-base unit AAG starting at c.13321; the reference has three copies in a row; one copy, 3 bases deleted.
Protein change: p.Lys4443del; deletes lysine 4443.
Molecular consequence: inframe deletion.
Genome position (GRCh38, 1-based): chr14:102,048,624-102,048,626, AAG deleted; deleting any 3 consecutive bases within chr14:102,048,618-102,048,626 gives the same sequence; the position shown is the placement nearest the transcript's 3' end. VCF-style (leftmost placement, unchanged base first): chr14-102048617-AAAG-A. GRCh37 (hg19) VCF-style: chr14-102514954-AAAG-A.
Other names: short protein forms K4443del.
Identifiers: ClinVar variation 2082135 (VCV002082135.4), dbSNP rs772787535, ClinGen allele CA266988060.
Genomic context (GRCh38, chr14:102,048,617, plus strand): 5'-CGCAAAGCTGCTTCAGGACGTTCGCCAGGACCTTGCAGATGTCGTCCAGGTGTGCGAAGG[AAAG>A]AAGAAGCAGACCAACTACTTGCGCACGCTGATCAACGAGCTAGTGAAAGGTGCGTGAGAG-3'

ClinVar aggregate classification (germline): Uncertain significance (1 of 4 stars; one submission).

Conditions:
Charcot-Marie-Tooth disease axonal type 2O. Also called: CHARCOT-MARIE-TOOTH NEUROPATHY, AXONAL, TYPE 2O; CHARCOT-MARIE-TOOTH DISEASE, AXONAL, AUTOSOMAL DOMINANT, TYPE 2O; Charcot-Marie-Tooth Neuropathy Type 2O; Charcot-Marie-Tooth disease, axonal, type 20. Identifiers: Orphanet 284232, MedGen C3280220, MONDO:0013644, OMIM 614228.

Submission:

Labcorp Genetics (formerly Invitae), Labcorp
Classification: Uncertain significance for Charcot-Marie-Tooth disease axonal type 2O. Last evaluated: 2024-05-06. Review status: criteria provided, single submitter. Criteria: Invitae Variant Classification Sherloc (09022015). Collection method: clinical testing. Allele origin: germline.
Comment: This variant, c.13327_13329del, results in the deletion of 1 amino acid(s) of the DYNC1H1 protein (p.Lys4443del), but otherwise preserves the integrity of the reading frame. This variant is not present in population databases (gnomAD no frequency). This variant has not been reported in the literature in individuals affected with DYNC1H1-related conditions. Experimental studies and prediction algorithms are not available or were not evaluated, and the functional significance of this variant is currently unknown. In summary, the available evidence is currently insufficient to determine the role of this variant in disease. Therefore, it has been classified as a Variant of Uncertain Significance.